The following is an entry in ClinVar:

NM_001267550.2(TTN):c.72828_72831dup (p.Thr24278fs)

Genes: TTN (titin; minus strand), TTN-AS1 (TTN antisense RNA 1; plus strand). Cytogenetic location: 2q31.2.
Variant type: Duplication.
Coding change: c.72828_72831dup on transcript NM_001267550.2 (MANE Select); coding-DNA positions 72828 to 72831, 4 bases duplicated (TCTT; older notation c.72828_72831dupTCTT).
Protein change: p.Thr24278fs; shifts the reading frame from threonine 24278.
Molecular consequence: frameshift variant.
Genome position (GRCh38, 1-based): chr2:178,573,301-178,573,304, AAGA duplicated on the plus strand (TCTT on the coding strand, the reverse complement: TTN is on the minus strand). VCF-style (leftmost placement, unchanged base first): chr2-178573300-T-TAAGA. GRCh37 (hg19) VCF-style: chr2-179438027-T-TAAGA.
Other names: c.67905_67908dup, p.Thr22637fs (NM_001256850.1); c.45633_45636dup, p.Thr15213fs (NM_003319.4); c.65124_65127dup, p.Thr21710fs (NM_133378.4); c.46008_46011dup, p.Thr15338fs (NM_133432.3); c.46209_46212dup, p.Thr15405fs (NM_133437.4); c.72828_72831dupTCTT (NM_001267550.2); c.72828_72831dup (NM_001267550.1); c.45633_45636dupTCTT (NM_003319.4); short protein forms T15213fs, T24278fs, T21710fs, T22637fs, T15338fs, T15405fs.
Identifiers: ClinVar variation 405079 (VCV000405079.13), dbSNP rs751319893, ClinGen allele CA1990446.

ClinVar aggregate classification (germline): Pathogenic/Likely pathogenic. Review status: criteria provided, multiple submitters, no conflicts (2 of 4 stars). 5 submissions from 4 submitters: Pathogenic (2); Likely pathogenic (3). Last evaluated 2025-12-22.

Conditions:
Cardiovascular phenotype. Identifiers: MedGen CN230736.
Autosomal recessive limb-girdle muscular dystrophy type 2J (LGMDR10). Also called: MUSCULAR DYSTROPHY, LIMB-GIRDLE, AUTOSOMAL RECESSIVE 10; Limb-girdle muscular dystrophy, type 2J. Identifiers: Orphanet 140922, MedGen C1837342, MONDO:0012127, OMIM 608807.
Dilated cardiomyopathy 1G (CMD1G). Identifiers: Orphanet 154, MedGen C1858763, MONDO:0011400, OMIM 604145.
Myopathy, myofibrillar, 9, with early respiratory failure (MFM9). Also called: Myopathy, distal, with early respiratory failure, autosomal dominant; Hereditary myopathy with early respiratory failure; EDSTROM MYOPATHY; MYOPATHY, PROXIMAL, WITH EARLY RESPIRATORY MUSCLE INVOLVEMENT. Identifiers: Orphanet 178464, Orphanet 34521, MedGen C1863599, MONDO:0011362, OMIM 603689.
Tibial muscular dystrophy (TMD). Also called: UDD MYOPATHY; Tibial muscular dystrophy, tardive; Udd Distal Myopathy – Tibial Muscular Dystrophy. Identifiers: Orphanet 609, MedGen C1838244, MONDO:0010870, OMIM 600334.
Early-onset myopathy with fatal cardiomyopathy (CMYO5). Also called: Salih Myopathy; CONGENITAL MYOPATHY 5 WITH CARDIOMYOPATHY. Identifiers: Orphanet 289377, MedGen C2673677, MONDO:0012714, OMIM 611705. Disease mechanism: loss of function.
Hypertrophic cardiomyopathy 9. Also called: Familial hypertrophic cardiomyopathy 9. Identifiers: MedGen C1861065, MONDO:0013412, OMIM 613765.

Allele frequency attached by ClinVar (database versions not stated): gnomAD exomes below 0.00001; ExAC 0.00001.

Submissions (5):

Labcorp Genetics (formerly Invitae), Labcorp
Classification: Pathogenic for Dilated cardiomyopathy 1G; Autosomal recessive limb-girdle muscular dystrophy type 2J. Last evaluated: 2025-12-22. Review status: criteria provided, single submitter. Criteria: Invitae Variant Classification Sherloc (09022015). Collection method: clinical testing. Allele origin: germline.
Comment: This sequence change creates a premature translational stop signal (p.Thr24278Serfs*3) in the TTN gene. While this is not anticipated to result in nonsense mediated decay, it is expected to create a truncated TTN protein. This variant is present in population databases (rs751319893, gnomAD 0.001%). This premature translational stop signal has been observed in individuals with dilated cardiomyopathy (internal data). ClinVar contains an entry for this variant (Variation ID: 405079). This variant is located in the A band of TTN (PMID: 25589632). Truncating variants in this region are significantly overrepresented in patients affected with dilated cardiomyopathy (PMID: 25589632). Truncating variants in this region have also been reported in individuals affected with autosomal recessive centronuclear myopathy (PMID: 23975875). For these reasons, this variant has been classified as Pathogenic.

GeneDx
Classification: Pathogenic. Last evaluated: 2025-05-29. Review status: criteria provided, single submitter. Criteria: GeneDx Variant Classification Process June 2021. Collection method: clinical testing. Allele origin: germline. Affected: yes.
Comment: Frameshift variant predicted to result in protein truncation or nonsense mediated decay in a gene for which loss of function is a known mechanism of disease; Not observed at significant frequency in large population cohorts (gnomAD); Has not been previously published as pathogenic or benign to our knowledge; This variant is associated with the following publications: (PMID: 22335739, 32778822)

Ambry Genetics
Classification: Likely pathogenic for Cardiovascular phenotype. Last evaluated: 2025-01-30. Review status: criteria provided, single submitter. Criteria: Ambry Variant Classification Scheme 2023. Collection method: clinical testing. Allele origin: germline.
Comment: The c.45633_45636dupTCTT variant, located in coding exon 153 of the TTN gene, results from a duplication of TCTT at nucleotide position 45633, causing a translational frameshift with a predicted alternate stop codon (p.T15213Sfs*3). This exon is located in the A-band region of the N2-B isoform of the titin protein and is constitutively expressed in TTN transcripts (percent spliced in or PSI 100%). This variant is considered to be rare based on population cohorts in the Genome Aggregation Database (gnomAD). This variant is expected to result in loss of function by premature protein truncation or nonsense-mediated mRNA decay. While truncating variants in TTN are present in 1-3% of the general population, truncating variants in the A-band are the most common cause of dilated cardiomyopathy (Herman DS et al. N. Engl. J. Med., 2012 Feb;366:619-28; Roberts AM et al. Sci Transl Med, 2015 Jan;7:270ra6). TTN truncating variants encoded in constitutive exons (PSI >90%) have been found to be significantly associated with DCM regardless of their position in titin (Schafer S et al. Nat. Genet., 2017 01;49:46-53; Akhtar MM et al. Circ Heart Fail, 2020 Oct;13:e006832; Massier M et al. Clin Genet, 2025 Jan). Based on the majority of available evidence to date, this variant is likely to be pathogenic.

Fulgent Genetics
Classification: Likely pathogenic for Tibial muscular dystrophy; Myopathy, myofibrillar, 9, with early respiratory failure; Dilated cardiomyopathy 1G; Autosomal recessive limb-girdle muscular dystrophy type 2J; Early-onset myopathy with fatal cardiomyopathy; Hypertrophic cardiomyopathy 9. Last evaluated: 2021-08-09. Review status: criteria provided, single submitter. Criteria: ACMG Guidelines, 2015. Collection method: clinical testing. Allele origin: unknown.

Labcorp Genetics (formerly Invitae), Labcorp
Classification: Likely pathogenic for Dilated cardiomyopathy 1G. Last evaluated: 2016-04-11. Review status: criteria provided, single submitter. Criteria: Invitae Variant Classification Sherloc (09022015). Collection method: clinical testing. Allele origin: germline.
Comment: This sequence change inserts 4 nucleotides in exon 326 of the TTN mRNA (c.72828_72831dupTCTT), causing a frameshift at codon 24278. This creates a premature translational stop signal (p.Thr24278Serfs*3) and is expected to result in an absent or disrupted protein product. This variant is found in the A-band of this gene. While this particular variant has not been reported in the literature, truncating variants in the A-band of TTN are significantly overrepresented in patients with dilated cardiomyopathy and are considered to be likely pathogenic for the disease (PMID: 25589632). For these reasons, this variant has been classified as Likely Pathogenic.

Literature cited by the submitters: PubMed 25589632 (cited by Labcorp Genetics (formerly Invitae), Labcorp); PubMed 23975875 (cited by Labcorp Genetics (formerly Invitae), Labcorp).